The following is an entry in ClinVar:

ClinVar aggregate classification (germline): Uncertain significance. Review status: criteria provided, multiple submitters, no conflicts (2 of 4 stars). 2 submissions from 2 submitters: Uncertain significance (2). Last evaluated 2024-03-03.

Conditions:
Primary familial hypertrophic cardiomyopathy (HCM). Identifiers: Orphanet 99739, MedGen C0949658, MeSH D024741, MONDO:0024573. Inheritance: Various modes of inheritance.

Allele frequency attached by ClinVar (database versions not stated): gnomAD exomes 0.00003.
gnomAD v4.1: 40 of 1,613,998 alleles (0.0025%); highest among the groups gnomAD compares: Non-Finnish European, 0.0027%; no homozygotes.

Submissions (2):

Labcorp Genetics (formerly Invitae), Labcorp
Classification: Uncertain significance for Primary familial hypertrophic cardiomyopathy. Last evaluated: 2024-03-03. Review status: criteria provided, single submitter. Criteria: Invitae Variant Classification Sherloc (09022015). Collection method: clinical testing. Allele origin: germline.
Comment: This sequence change replaces arginine, which is basic and polar, with histidine, which is basic and polar, at codon 161 of the ILK protein (p.Arg161His). This variant is present in population databases (rs569140095, gnomAD 0.005%). This variant has not been reported in the literature in individuals affected with ILK-related conditions. ClinVar contains an entry for this variant (Variation ID: 1743415). An algorithm developed to predict the effect of missense changes on protein structure and function (PolyPhen-2) suggests that this variant is likely to be tolerated. In summary, the available evidence is currently insufficient to determine the role of this variant in disease. Therefore, it has been classified as a Variant of Uncertain Significance.

Ambry Genetics
Classification: Uncertain significance. Last evaluated: 2022-03-03. Review status: criteria provided, single submitter. Criteria: Ambry Variant Classification Scheme 2023. Collection method: clinical testing. Allele origin: germline.
Comment: The p.R161H variant (also known as c.482G>A), located in coding exon 5 of the ILK gene, results from a G to A substitution at nucleotide position 482. The arginine at codon 161 is replaced by histidine, an amino acid with highly similar properties. This amino acid position is conserved. In addition, the in silico prediction for this alteration is inconclusive. Since supporting evidence is limited at this time, the clinical significance of this alteration remains unclear.

NM_004517.4(ILK):c.482G>A (p.Arg161His)

Genes: ILK (integrin linked kinase; plus strand), TAF10 (TATA-box binding protein associated factor 10; minus strand). Cytogenetic location: 11p15.4.
Variant type: single nucleotide variant.
Coding change: c.482G>A on transcript NM_004517.4 (MANE Select); coding-DNA position 482, G replaced by A.
Protein change: p.Arg161His; replaces arginine 161 with histidine.
Molecular consequence: missense variant. On other transcripts: 3 prime UTR variant (1).
Genome position (GRCh38, 1-based): chr11:6,608,917, G>A. VCF-style: chr11-6608917-G-A. GRCh37 (hg19) VCF-style: chr11-6630148-G-A.
Other names: c.482G>A, p.Arg161His (NM_001014794.3, NM_001014795.3); c.385G>A, p.Val129Ile (NM_001278441.2); c.80G>A, p.Arg27His (NM_001278442.2); c.*2005C>T (NM_006284.4); short protein forms R161H, V129I, R27H.
Identifiers: ClinVar variation 1743415 (VCV001743415.5), dbSNP rs569140095, ClinGen allele CA217313850.
Genomic context (GRCh38, chr11:6,608,917, plus strand): 5'-ACAGCTTAGGTTGTTTTTCTTCCCTAGAGCGGGCAGAGAAGATGGGCCAGAATCTCAACC[G>A]TATTCCATACAAGGACACATTCTGGAAGGGGACCACCCGCACTCGGCCCCGTGAGTCACC-3'
Protein context (NP_004508.1, residues 151-171): RAEKMGQNLN[Arg161His]IPYKDTFWKG